The following is an entry in ClinVar:

ClinVar aggregate classification (germline): Uncertain significance (1 of 4 stars; one submission).

Conditions:
Inborn genetic diseases. Identifiers: MedGen C0950123, MeSH D030342.

gnomAD v4.1: 3 of 1,612,756 alleles (0.00019%); highest among the groups gnomAD compares: South Asian, 0.0033%; no homozygotes.

Submission:

Ambry Genetics
Classification: Uncertain significance for Inborn genetic diseases. Last evaluated: 2026-01-15. Review status: criteria provided, single submitter. Criteria: Ambry Variant Classification Scheme 2023. Collection method: clinical testing. Allele origin: germline.
Comment: The p.R1134G variant (also known as c.3400A>G), located in coding exon 15 of the MECOM gene, results from an A to G substitution at nucleotide position 3400. The arginine at codon 1134 is replaced by glycine, an amino acid with dissimilar properties. This amino acid position is conserved. In addition, the in silico prediction for this alteration is inconclusive. Based on the available evidence, the clinical significance of this variant remains unclear.

NM_004991.4(MECOM):c.3400A>G (p.Arg1134Gly)

Gene: MECOM (MDS1 and EVI1 complex locus; minus strand). Cytogenetic location: 3q26.2.
Variant type: single nucleotide variant.
Coding change: c.3400A>G on transcript NM_004991.4 (MANE Select); coding-DNA position 3400, A replaced by G.
Protein change: p.Arg1134Gly; replaces arginine 1134 with glycine.
Molecular consequence: missense variant.
Genome position (GRCh38, 1-based): chr3:169,090,001, T>C on the plus strand (A>G on the coding strand, the complement: MECOM is on the minus strand). VCF-style: chr3-169090001-T-C. GRCh37 (hg19) VCF-style: chr3-168807789-T-C.
Other names: c.3031A>G, p.Arg1011Gly (NM_001105077.4); c.2836A>G, p.Arg946Gly (NM_001105078.4, NM_001205194.2, NM_001366469.2 and 1 more transcripts); c.2812A>G, p.Arg938Gly (NM_001163999.2, NM_001366470.2); c.2809A>G, p.Arg937Gly (NM_001164000.2, NM_001366471.2, NM_001366472.2); c.3373A>G, p.Arg1125Gly (NM_001366466.2); c.2839A>G, p.Arg947Gly (NM_001366467.2, NM_001366468.2); c.2401A>G, p.Arg801Gly (NM_001366473.2); c.1837A>G, p.Arg613Gly (NM_001366474.2); short protein forms R613G, R1125G, R937G, R947G, R1011G, R1134G, R801G, R938G.
Identifiers: ClinVar variation 4824285 (VCV004824285.1).